The following is an entry in ClinVar:

NM_005026.5(PIK3CD):c.1446C>T (p.Pro482=)

Genes: PIK3CD (phosphatidylinositol-4,5-bisphosphate 3-kinase catalytic subunit delta; plus strand), LOC126805612 (MED14-independent group 3 enhancer GRCh37_chr1:9778914-9780113; plus strand). Cytogenetic location: 1p36.22.
Variant type: single nucleotide variant.
Coding change: c.1446C>T on transcript NM_005026.5 (MANE Select); coding-DNA position 1446, C replaced by T.
Protein change: p.Pro482=; no amino-acid change (proline 482 retained).
Molecular consequence: synonymous variant.
Genome position (GRCh38, 1-based): chr1:9,720,218, C>T. VCF-style: chr1-9720218-C-T. GRCh37 (hg19) VCF-style: chr1-9780276-C-T.
Other names: c.1446C>T, p.Pro482= (NM_001350234.2); c.1359C>T, p.Pro453= (NM_001350235.1); c.1446C>T (NM_005026.3).
Identifiers: ClinVar variation 1078408 (VCV001078408.11), dbSNP rs764261934, ClinGen allele CA577196.

ClinVar aggregate classification (germline): Likely benign. Review status: criteria provided, single submitter (1 of 4 stars). 2 submissions from 2 submitters: Likely benign (1). 1 of the submissions does not count toward it. Last evaluated 2025-06-16.

Conditions:
PIK3CD-related disorder. Also called: PIK3CD-related condition.
Immunodeficiency 14 (IMD14A). Also called: ACTIVATED PI3K-DELTA SYNDROME 1; IMMUNODEFICIENCY 14A WITH LYMPHOPROLIFERATION, AUTOSOMAL DOMINANT; Activated PI3K Delta Syndrome Type 1 (APDS1); p110-DELTA-ACTIVATING MUTATION CAUSING SENESCENT T CELLS, LYMPHADENOPATHY, AND IMMUNODEFICIENCY. Identifiers: Orphanet 397596, Orphanet 693661, MedGen C5907821, MONDO:0014222, OMIM 615513.

Allele frequency attached by ClinVar (database versions not stated): ExAC 0.00001; gnomAD 0.00001 and 0.00002; gnomAD exomes 0.00001; TOPMed 0.00001.
gnomAD v4.1: 9 of 1,609,532 alleles (0.00056%); highest among the groups gnomAD compares: Admixed American, 0.005%; no homozygotes.

Submissions (2):

Labcorp Genetics (formerly Invitae), Labcorp
Classification: Likely benign for Activated PI3K-delta syndrome. Last evaluated: 2025-06-16. Review status: criteria provided, single submitter. Criteria: Invitae Variant Classification Sherloc (09022015). Collection method: clinical testing. Allele origin: germline.

PreventionGenetics, part of Exact Sciences
Classification: Likely benign for PIK3CD-related condition. Last evaluated: 2023-08-14. Review status: no assertion criteria provided. Collection method: clinical testing. Allele origin: germline. Not counted in ClinVar's aggregate classification.
Comment: This variant is classified as likely benign based on ACMG/AMP sequence variant interpretation guidelines (Richards et al. 2015 PMID: 25741868, with internal and published modifications).